The following is an entry in ClinVar:

ClinVar aggregate classification (germline): Likely pathogenic (1 of 4 stars; one submission).

Conditions:
Hereditary cancer-predisposing syndrome. Also called: Neoplastic Syndromes, Hereditary; Tumor predisposition; Hereditary Cancer Syndrome; Hereditary neoplastic syndrome. Identifiers: Orphanet 140162, MedGen C0027672, MeSH D009386, MONDO:0015356.

Submission:

Labcorp Genetics (formerly Invitae), Labcorp
Classification: Likely pathogenic for Hereditary cancer-predisposing syndrome. Last evaluated: 2021-12-07. Review status: criteria provided, single submitter. Criteria: Invitae Variant Classification Sherloc (09022015). Collection method: clinical testing. Allele origin: germline.
Comment: In summary, the currently available evidence indicates that the variant is pathogenic, but additional data are needed to prove that conclusively. Therefore, this variant has been classified as Likely Pathogenic. This variant disrupts the ATPase-C domain, which is important for RAD50 ATPase activity (PMID: 10892749, 24894818). While functional studies have not been performed to directly test the effect of this variant on RAD50 protein function, this suggests that disruption of this region of the protein is causative of disease. This sequence change creates a premature translational stop signal (p.Gln1259Alafs*7) in the RAD50 gene. While this is not anticipated to result in nonsense mediated decay, it is expected to disrupt the last 54 amino acid(s) of the RAD50 protein. This variant is not present in population databases (gnomAD no frequency). This variant has not been reported in the literature in individuals affected with RAD50-related conditions. ClinVar contains an entry for this variant (Variation ID: 651700).

Literature cited by the submitters: PubMed 10892749; PubMed 24894818.

NM_005732.4(RAD50):c.3775_3788del (p.Gln1259fs)

Genes: RAD50 (RAD50 double strand break repair protein; plus strand), TH2LCRR (T helper type 2 locus control region associated RNA; minus strand). Cytogenetic location: 5q31.1.
Variant type: Deletion.
Coding change: c.3775_3788del on transcript NM_005732.4 (MANE Select); coding-DNA positions 3775 to 3788, 14 bases deleted (CAGCGTAACTTCCA).
Protein change: p.Gln1259fs; shifts the reading frame from glutamine 1259.
Molecular consequence: frameshift variant. On other transcripts: non-coding transcript variant (1).
Genome position (GRCh38, 1-based): chr5:132,642,200-132,642,213, CAGCGTAACTTCCA deleted. VCF-style (leftmost placement, unchanged base first): chr5-132642199-GCAGCGTAACTTCCA-G. GRCh37 (hg19) VCF-style: chr5-131977891-GCAGCGTAACTTCCA-G.
Other names: short protein forms Q1259fs.
Identifiers: ClinVar variation 651700 (VCV000651700.7), dbSNP rs1581024929, ClinGen allele CA915942562.